The following is an entry in ClinVar:

ClinVar aggregate classification (germline): Uncertain significance (1 of 4 stars; one submission).

Submission:

Greenwood Genetic Center Diagnostic Laboratories, Greenwood Genetic Center
Classification: Uncertain significance. Last evaluated: 2024-07-22. Review status: criteria provided, single submitter. Criteria: ACMG Guidelines, 2015. Collection method: clinical testing. Allele origin: germline. Affected: yes.
Comment: Gene of Uncertain Significance

NM_022113.6(KIF13A):c.3155T>C (p.Leu1052Pro)

Gene: KIF13A (kinesin family member 13A; minus strand). Cytogenetic location: 6p22.3.
Variant type: single nucleotide variant.
Coding change: c.3155T>C on transcript NM_022113.6 (MANE Select); coding-DNA position 3155, T replaced by C.
Protein change: p.Leu1052Pro; replaces leucine 1052 with proline.
Molecular consequence: missense variant.
Genome position (GRCh38, 1-based): chr6:17,794,316, A>G on the plus strand (T>C on the coding strand, the complement: KIF13A is on the minus strand). VCF-style: chr6-17794316-A-G. GRCh37 (hg19) VCF-style: chr6-17794547-A-G.
Other names: c.3155T>C, p.Leu1052Pro (NM_001105566.3, NM_001105567.3, NM_001105568.4); short protein forms L1052P.
Identifiers: ClinVar variation 3765859 (VCV003765859.1).